The following is an entry in ClinVar:

NM_001083962.2(TCF4):c.695G>A (p.Gly232Glu)

Gene: TCF4 (transcription factor 4; minus strand). Cytogenetic location: 18q21.2.
Variant type: single nucleotide variant.
Coding change: c.695G>A on transcript NM_001083962.2 (MANE Select); coding-DNA position 695, G replaced by A.
Protein change: p.Gly232Glu; replaces glycine 232 with glutamic acid.
Molecular consequence: missense variant.
Genome position (GRCh38, 1-based): chr18:55,275,713, C>T on the plus strand (G>A on the coding strand, the complement: TCF4 is on the minus strand). VCF-style: chr18-55275713-C-T. GRCh37 (hg19) VCF-style: chr18-52942944-C-T.
Other names: c.1001G>A, p.Gly334Glu (NM_001243226.3); c.623G>A, p.Gly208Glu (NM_001243227.2, NM_001306207.1, NM_001369575.1 and 9 more transcripts); c.713G>A, p.Gly238Glu (NM_001243228.2); c.689G>A, p.Gly230Glu (NM_001243230.2); c.569G>A, p.Gly190Glu (NM_001243231.2, NM_001348211.2); c.482G>A, p.Gly161Glu (NM_001243232.1, NM_001306208.1); c.305G>A, p.Gly102Glu (NM_001243233.2, NM_001330605.3, NM_001348212.2 and 1 more transcripts); c.215G>A, p.Gly72Glu (NM_001243234.2, NM_001243235.2, NM_001243236.2 and 2 more transcripts); and 4 more; short protein forms G102E, G161E, G16E, G190E, G230E, G232E, G334E, G208E.
Identifiers: ClinVar variation 846432 (VCV000846432.9), dbSNP rs2061383201, ClinGen allele CA402701600.

ClinVar aggregate classification (germline): Uncertain significance (1 of 4 stars; one submission).

Conditions:
Pitt-Hopkins syndrome (PTHS). Also called: MENTAL RETARDATION, SYNDROMAL, WITH INTERMITTENT HYPERVENTILATION; ENCEPHALOPATHY, SEVERE EPILEPTIC, WITH AUTONOMIC DYSFUNCTION. Identifiers: Orphanet 2896, MedGen C1970431, MONDO:0012589, OMIM 610954.

Submission:

Labcorp Genetics (formerly Invitae), Labcorp
Classification: Uncertain significance for Pitt-Hopkins syndrome. Last evaluated: 2019-02-23. Review status: criteria provided, single submitter. Criteria: Invitae Variant Classification Sherloc (09022015). Collection method: clinical testing. Allele origin: germline.
Comment: In summary, the available evidence is currently insufficient to determine the role of this variant in disease. Therefore, it has been classified as a Variant of Uncertain Significance. Algorithms developed to predict the effect of missense changes on protein structure and function are either unavailable or do not agree on the potential impact of this missense change (SIFT: "Tolerated"; PolyPhen-2: "Possibly Damaging"; Align-GVGD: "Class C0"). This variant has not been reported in the literature in individuals with TCF4-related conditions. This variant is not present in population databases (ExAC no frequency). This sequence change replaces glycine with glutamic acid at codon 232 of the TCF4 protein (p.Gly232Glu). The glycine residue is moderately conserved and there is a moderate physicochemical difference between glycine and glutamic acid.